The following is an entry in ClinVar:

ClinVar aggregate classification (germline): Uncertain significance (1 of 4 stars; one submission).

Submission:

GeneDx
Classification: Uncertain significance. Last evaluated: 2025-05-13. Review status: criteria provided, single submitter. Criteria: GeneDx Variant Classification Process June 2021. Collection method: clinical testing. Allele origin: germline. Affected: yes.
Comment: In-frame deletion of 1 amino acid(s) in a non-repeat region; In silico analysis supports a deleterious effect on protein structure/function; Has not been previously published as pathogenic or benign to our knowledge

NM_001379210.1(SLC25A26):c.166GCT[1] (p.Ala57del)

Gene: SLC25A26 (solute carrier family 25 member 26; plus strand). Cytogenetic location: 3p14.1.
Variant type: Microsatellite.
Coding change: c.166GCT[1] on transcript NM_001379210.1 (MANE Select); one copy of the 3-base unit GCT starting at c.166; the reference has two copies in a row; one copy, 3 bases deleted.
Protein change: p.Ala57del; deletes alanine 57.
Molecular consequence: 5 prime UTR variant (on NM_001350993.1). On other transcripts: non-coding transcript variant (8), intron variant (3).
Genome position (GRCh38, 1-based): chr3:66,236,679-66,236,681, GCT deleted; deleting any 3 consecutive bases within chr3:66,236,674-66,236,681 gives the same sequence; the position shown is the placement nearest the transcript's 3' end. VCF-style (leftmost placement, unchanged base first): chr3-66236673-TCTG-T. GRCh37 (hg19) VCF-style: chr3-66287097-TCTG-T.
Other names: c.-99GCT[1] (NM_001350993.1, NM_001400711.1); c.166GCT[1], p.Ala57del (NM_001400705.1, NM_001400707.1, NM_173471.4); c.-74-6524_-74-6522del (NM_001164796.1, NM_001400709.1, NM_001400714.1); short protein forms A57del.
Identifiers: ClinVar variation 3372877 (VCV003372877.2).